The following is an entry in ClinVar:

NM_000540.3(RYR1):c.8360C>G (p.Thr2787Ser)

Genes: RYR1 (ryanodine receptor 1; plus strand), LOC126862902 (BRD4-independent group 4 enhancer GRCh37_chr19:38995830-38997029; plus strand). Cytogenetic location: 19q13.2.
Variant type: single nucleotide variant.
Coding change: c.8360C>G on transcript NM_000540.3 (MANE Select); coding-DNA position 8360, C replaced by G.
Protein change: p.Thr2787Ser; replaces threonine 2787 with serine.
Molecular consequence: missense variant.
Genome position (GRCh38, 1-based): chr19:38,505,358, C>G. VCF-style: chr19-38505358-C-G. GRCh37 (hg19) VCF-style: chr19-38995998-C-G.
Other names: NM_000540.2(RYR1):c.8360C>G; c.8360C>G, p.Thr2787Ser (NM_001042723.2); short protein forms T2787S.
Identifiers: ClinVar variation 133223 (VCV000133223.68), dbSNP rs35180584, ClinGen allele CA024914.

ClinVar aggregate classification (germline): Benign. Review status: reviewed by expert panel (3 of 4 stars). 22 submissions from 20 submitters: Benign (1). 21 of the submissions do not count toward it. Last evaluated 2021-12-22.

Conditions:
Congenital multicore myopathy with external ophthalmoplegia (CMYO1B). Also called: Congenital myopathy 1B, autosomal recessive; Minicore myopathy; MULTICORE MYOPATHY; MULTIMINICORE DISEASE WITH EXTERNAL OPHTHALMOPLEGIA; Minicore myopathy with external ophthalmoplegia. Identifiers: Orphanet 598, Orphanet 98905, MedGen C1850674, MONDO:0009712, OMIM 255320, HP:0003789.
Central core myopathy (CMYO1A). Also called: CONGENITAL MYOPATHY 1A, AUTOSOMAL DOMINANT, WITH SUSCEPTIBILITY TO MALIGNANT HYPERTHERMIA; Central core disease; Myopathy, central fibrillar. Identifiers: Orphanet 597, MedGen C5830701, MONDO:0007294, OMIM 117000.
Congenital myopathy with fiber type disproportion. Also called: Congenital fiber-type disproportion; Congenital fiber-type disproportion myopathy. Identifiers: Orphanet 2020, MedGen C0546264, MONDO:0009711. Inheritance: all.
King Denborough syndrome (KDS). Identifiers: MedGen C1840365, MONDO:0020485, OMIM 619542.
Malignant hyperthermia, susceptibility to, 1 (MHS1). Also called: Malignant hyperthermia suceptibility 1; Anesthesia related hyperthermia; Malignant hyperpyrexia; Fulminating hyperpyrexia; Pharmacogenic myopathy; RYR1-Related Malignant Hyperthermia Susceptibility. Identifiers: Orphanet 423, MedGen C2930980, MONDO:0007783, OMIM 145600.
RYR1-related disorder. Also called: RYR1-related disorders; RYR1-related condition. Identifiers: MedGen CN239331.
Malignant hypothermia.
Malignant hyperthermia of anesthesia. Also called: Anesthesic-triggered malignant hyperthermia. Identifiers: Orphanet 423, MedGen C0024591, MONDO:0018493, HP:0034733.

Allele frequency attached by ClinVar (database versions not stated): 1000 Genomes Project 30x 0.00921; TOPMed 0.01039; gnomAD exomes 0.00291; ExAC 0.00331; 1000 Genomes Project 0.00899.
gnomAD v4.1: 3,225 of 1,612,374 alleles (0.2%); highest among the groups gnomAD compares: African/African-American, 3%; 39 homozygotes.

Submissions (22):

ClinGen Malignant Hyperthermia Susceptibility Variant Curation Expert Panel, ClinGen
Classification: Benign for Malignant hyperthermia of anesthesia. Last evaluated: 2021-12-22. Review status: reviewed by expert panel. Criteria: ClinGen MHS ACMG Specifications V1. Collection method: curation. Allele origin: germline. Inheritance: Autosomal dominant inheritance.
Comment: This pathogenicity assessment is relevant only for malignant hyperthermia susceptibility (MHS) inherited in an autosomal dominant pattern. Variants in RYR1 can also cause other myopathies inherited in an autosomal dominant pattern or in an autosomal recessive pattern. Some of these disorders may predispose individuals to malignant hyperthermia. RYR1 variants may also contribute to a malignant hyperthermia reaction in combination with other genetic and non-genetic factors and the clinician needs to consider such factors in making management decisions. This sequence variant predicts a substitution of threonine with serine at codon 2787 of the RYR1 protein, p.(Thr2787Ser). The maximum allele frequency for this variant among the six major gnomAD populations is AFR: 0.029867, which is considered to be too common for a pathogenic variant causing autosomal dominantly inherited MHS, BA1. This variant has been classified as Benign. Criteria implemented: BA1.

CeGaT Center for Human Genetics Tuebingen
Classification: Benign. Last evaluated: 2026-09-01. Review status: criteria provided, single submitter. Criteria: CeGaT Center For Human Genetics Tuebingen Variant Classification Criteria Version 2. Collection method: clinical testing. Allele origin: germline. Affected: yes. Observed: 23 variant alleles. Not counted in ClinVar's aggregate classification.
Comment: RYR1: BS1, BS2

Labcorp Genetics (formerly Invitae), Labcorp
Classification: Benign for RYR1-related disorder. Last evaluated: 2026-02-01. Review status: criteria provided, single submitter. Criteria: Invitae Variant Classification Sherloc (09022015). Collection method: clinical testing. Allele origin: germline. Not counted in ClinVar's aggregate classification.

Blueprint Genetics
Classification: Likely benign. Last evaluated: 2024-11-28. Review status: criteria provided, single submitter. Criteria: ACMG Guidelines, 2015. Collection method: clinical testing. Allele origin: germline. Not counted in ClinVar's aggregate classification.

ARUP Laboratories, Molecular Genetics and Genomics, ARUP Laboratories
Classification: Benign. Last evaluated: 2023-10-14. Review status: criteria provided, single submitter. Criteria: ARUP Molecular Germline Variant Investigation Process 2024. Collection method: clinical testing. Allele origin: germline. Not counted in ClinVar's aggregate classification.

Fulgent Genetics
Classification: Benign for Central core myopathy; Malignant hyperthermia, susceptibility to, 1; Congenital myopathy 4A, autosomal dominant; Congenital multicore myopathy with external ophthalmoplegia; King Denborough syndrome. Last evaluated: 2022-05-31. Review status: criteria provided, single submitter. Criteria: ACMG Guidelines, 2015. Collection method: clinical testing. Allele origin: unknown. Not counted in ClinVar's aggregate classification.

Color Diagnostics, LLC DBA Color Health
Classification: Benign for Malignant hyperthermia, susceptibility to, 1. Last evaluated: 2019-03-29. Review status: criteria provided, single submitter. Criteria: ACMG Guidelines, 2015. Collection method: clinical testing. Allele origin: germline. Not counted in ClinVar's aggregate classification.

Athena Diagnostics
Classification: Benign. Last evaluated: 2018-12-27. Review status: criteria provided, single submitter. Criteria: Athena Diagnostics Criteria. Collection method: clinical testing. Allele origin: germline. Not counted in ClinVar's aggregate classification.

Mayo Clinic Laboratories, Mayo Clinic
Classification: Benign. Last evaluated: 2018-02-22. Review status: criteria provided, single submitter. Criteria: ACMG Guidelines, 2015. Collection method: clinical testing. Allele origin: germline. Observed: 7 variant alleles. Not counted in ClinVar's aggregate classification.

Illumina Laboratory Services, Illumina
Classification: Likely benign for Central core myopathy. Last evaluated: 2018-02-09. Review status: criteria provided, single submitter. Criteria: ICSL Variant Classification Criteria 13 December 2019. Collection method: clinical testing. Allele origin: germline. Not counted in ClinVar's aggregate classification.
Comment: This variant was observed as part of a predisposition screen in an ostensibly healthy population. A literature search was performed for the gene, cDNA change, and amino acid change (where applicable). No publications were found based on this search. Allele frequency data from public databases allowed determination this variant is unlikely to cause disease. Therefore, this variant is classified as likely benign.

Illumina Laboratory Services, Illumina
Classification: Likely benign for Malignant hyperthermia, susceptibility to, 1. Last evaluated: 2018-02-09. Review status: criteria provided, single submitter. Criteria: ICSL Variant Classification Criteria 13 December 2019. Collection method: clinical testing. Allele origin: germline. Not counted in ClinVar's aggregate classification.
Comment: This variant was observed as part of a predisposition screen in an ostensibly healthy population. A literature search was performed for the gene, cDNA change, and amino acid change (where applicable). Publications were found based on this search. The evidence from the literature, in combination with allele frequency data from public databases where available, was sufficient to determine this variant is unlikely to cause disease. Therefore, this variant is classified as likely benign.

Illumina Laboratory Services, Illumina
Classification: Likely benign for Congenital multicore myopathy with external ophthalmoplegia. Last evaluated: 2018-02-09. Review status: criteria provided, single submitter. Criteria: ICSL Variant Classification Criteria 13 December 2019. Collection method: clinical testing. Allele origin: germline. Not counted in ClinVar's aggregate classification.
Comment: the same text as in the submission from Illumina Laboratory Services, Illumina above.

GeneDx
Classification: Benign. Last evaluated: 2017-04-17. Review status: criteria provided, single submitter. Criteria: GeneDx Variant Classification (06012015). Collection method: clinical testing. Allele origin: germline. Affected: yes. Not counted in ClinVar's aggregate classification.
Comment: This variant is considered likely benign or benign based on one or more of the following criteria: it is a conservative change, it occurs at a poorly conserved position in the protein, it is predicted to be benign by multiple in silico algorithms, and/or has population frequency not consistent with disease.

Eurofins Ntd Llc (ga)
Classification: Benign. Last evaluated: 2015-07-30. Review status: criteria provided, single submitter. Criteria: EGL Classification Definitions 2015. Collection method: clinical testing. Allele origin: germline. Observed: 1 variant allele, 1 heterozygote. Not counted in ClinVar's aggregate classification.

Genomic Diagnostic Laboratory, Division of Genomic Diagnostics, Children's Hospital of Philadelphia
Classification: Benign for Malignant hypothermia. Last evaluated: 2015-06-26. Review status: criteria provided, single submitter. Criteria: DGD Variant Analysis Guidelines. Collection method: clinical testing. Allele origin: unknown. Not counted in ClinVar's aggregate classification.

Biesecker Lab/Clinical Genomics Section, National Institutes of Health
Classification: Benign for Malignant hyperthermia, susceptibility to, 1. Last evaluated: 2013-07-01. Review status: criteria provided, single submitter. Criteria: Gonsalves et al. 2013. Collection method: research. Allele origin: unknown. Observed: 7 variant alleles. Study: ClinSeq. Not counted in ClinVar's aggregate classification.
Comment: The study set was not selected for affection status in relation to any myopathy. Pathogenicity categories were based on literature curation. See Pubmed ID: 24195946 for details.

Genetic Services Laboratory, University of Chicago
Classification: Benign. Last evaluated: 2013-02-08. Review status: criteria provided, single submitter. Criteria: ACMG Guidelines, 2007. Collection method: clinical testing. Allele origin: germline. Inheritance: Autosomal unknown. Not counted in ClinVar's aggregate classification.

Breakthrough Genomics
Classification: Benign. Review status: criteria provided, single submitter. Criteria: ACMG Guidelines, 2015. Collection method: not provided. Allele origin: germline. Inheritance: Autosomal recessive inheritance. Affected: yes. Not counted in ClinVar's aggregate classification.

PreventionGenetics, part of Exact Sciences
Classification: Benign for RYR1-related condition. Last evaluated: 2019-05-29. Review status: no assertion criteria provided. Collection method: clinical testing. Allele origin: germline. Not counted in ClinVar's aggregate classification.
Comment: This variant is classified as benign based on ACMG/AMP sequence variant interpretation guidelines (Richards et al. 2015 PMID: 25741868, with internal and published modifications).

Joint Genome Diagnostic Labs from Nijmegen and Maastricht, Radboudumc and MUMC+
Classification: Benign. Review status: no assertion criteria provided. Collection method: clinical testing. Allele origin: germline. Affected: yes. Study: VKGL Data-share Consensus. Not counted in ClinVar's aggregate classification.

Laboratory of Diagnostic Genome Analysis, Leiden University Medical Center (LUMC)
Classification: Likely benign. Review status: no assertion criteria provided. Collection method: clinical testing. Allele origin: germline. Affected: yes. Study: VKGL Data-share Consensus. Not counted in ClinVar's aggregate classification.

RYR1 database
No classification provided. Review status: no classification provided. Collection method: not provided. Allele origin: unknown. Not counted in ClinVar's aggregate classification.

Literature cited by the submitters: PubMed 14732627 (cited by Athena Diagnostics and Illumina Laboratory Services, Illumina); PubMed 20981092 (cited by Athena Diagnostics and Illumina Laboratory Services, Illumina); PubMed 22995991 (cited by Athena Diagnostics); PubMed 25735680 (cited by Athena Diagnostics); PubMed 24195946 (cited by Athena Diagnostics and Illumina Laboratory Services, Illumina); PubMed 20839240 (cited by Illumina Laboratory Services, Illumina); PubMed 23204524 (cited by Illumina Laboratory Services, Illumina); PubMed 16163667 (cited by Illumina Laboratory Services, Illumina); PubMed 22913516 (cited by Illumina Laboratory Services, Illumina); PubMed 19191329 (cited by Illumina Laboratory Services, Illumina).